The following is an entry in ClinVar:

NM_001278716.2(FBXL4):c.813C>T (p.Leu271=)

Gene: FBXL4 (F-box and leucine rich repeat protein 4; minus strand). Cytogenetic location: 6q16.2.
Variant type: single nucleotide variant.
Coding change: c.813C>T on transcript NM_001278716.2 (MANE Select); coding-DNA position 813, C replaced by T.
Protein change: p.Leu271=; no amino-acid change (leucine 271 retained).
Molecular consequence: synonymous variant.
Genome position (GRCh38, 1-based): chr6:98,917,419, G>A on the plus strand (C>T on the coding strand, the complement: FBXL4 is on the minus strand). VCF-style: chr6-98917419-G-A. GRCh37 (hg19) VCF-style: chr6-99365295-G-A.
Other names: p.Leu271=; c.813C>T, p.Leu271= (NM_012160.5).
Identifiers: ClinVar variation 437637 (VCV000437637.6), dbSNP rs146999462, ClinGen allele CA3933614.

ClinVar aggregate classification (germline): Conflicting classifications of pathogenicity. Review status: criteria provided, conflicting classifications (1 of 4 stars). 3 submissions from 3 submitters: Uncertain significance (1); Likely benign (2). Last evaluated 2025-09-21.

Conditions:
Mitochondrial DNA depletion syndrome 13. Also called: FBXL4-Related Encephalomyopathic Mitochondrial DNA Depletion Syndrome; Mitochondrial DNA depletion syndrome 13 (encephalomyopathic type). Identifiers: Orphanet 369897, MedGen C3809592, MONDO:0014198, OMIM 615471.

Allele frequency attached by ClinVar (database versions not stated): ExAC 0.00003; gnomAD exomes 0.00004; gnomAD 0.00007 and 0.00008; ESP Exome Variant Server 0.00008; TOPMed 0.00009.
gnomAD v4.1: 66 of 1,612,268 alleles (0.0041%); highest among the groups gnomAD compares: African/African-American, 0.02%; no homozygotes.

Submissions (3):

Labcorp Genetics (formerly Invitae), Labcorp
Classification: Likely benign. Last evaluated: 2025-09-21. Review status: criteria provided, single submitter. Criteria: Invitae Variant Classification Sherloc (09022015). Collection method: clinical testing. Allele origin: germline.

Mayo Clinic Laboratories, Mayo Clinic
Classification: Likely benign. Last evaluated: 2025-07-31. Review status: criteria provided, single submitter. Criteria: ACMG Guidelines, 2015. Collection method: clinical testing. Allele origin: germline. Observed: 1 variant allele.
Comment: BP4, BP7

Wong Mito Lab, Molecular and Human Genetics, Baylor College of Medicine
Classification: Uncertain significance for Mitochondrial DNA depletion syndrome 13. Last evaluated: 2017-08-10. Review status: criteria provided, single submitter. Criteria: ACMG Guidelines, 2015. Collection method: reference population. Allele origin: germline.
Comment: The NM_012160.4:c.813C>T (NP_036292.2:p.Leu271=) [GRCH38: NC_000006.12:g.98917419G>A] variant in FBXL4 gene is interpretated to be a Uncertain Significance - Conflicting Evidence based on ACMG guidelines (PMID: 25741868). This variant meets one or more of the following evidence codes reported in the ACMG-guideline. PM2:This variant is absent in key population databases. BP4:Computational evidence/predictors indicate no impact on the FBXL4 structure, function, or protein-protein interaction. BP7:The variant is silent with non predicted splice impact. Based on this evidence code ClinGen Pathogenicity Calculator (PMID:28081714) suggested that the variant is Uncertain Significance - Conflicting Evidence.